The following is an entry in ClinVar:

ClinVar aggregate classification (germline): Pathogenic (1 of 4 stars; one submission).

Conditions:
Axenfeld-Rieger syndrome type 3 (RIEG3). Also called: AXENFELD-RIEGER ANOMALY WITH CARDIAC DEFECTS AND/OR SENSORINEURAL HEARING LOSS. Identifiers: Orphanet 782, MedGen C2678503, MONDO:0011233, OMIM 602482.

Submission:

Labcorp Genetics (formerly Invitae), Labcorp
Classification: Pathogenic for Axenfeld-Rieger syndrome type 3. Last evaluated: 2024-04-09. Review status: criteria provided, single submitter. Criteria: Invitae Variant Classification Sherloc (09022015). Collection method: clinical testing. Allele origin: germline.
Comment: This sequence change creates a premature translational stop signal (p.Pro201Alafs*105) in the FOXC1 gene. While this is not anticipated to result in nonsense mediated decay, it is expected to disrupt the last 353 amino acid(s) of the FOXC1 protein. This variant is not present in population databases (gnomAD no frequency). This variant has not been reported in the literature in individuals affected with FOXC1-related conditions. This variant disrupts a region of the FOXC1 protein in which other variant(s) (p.Tyr497*) have been determined to be pathogenic (PMID: 28513611; Invitae). This suggests that this is a clinically significant region of the protein, and that variants that disrupt it are likely to be disease-causing. For these reasons, this variant has been classified as Pathogenic.

Literature cited by the submitters: PubMed 28513611.

NM_001453.3(FOXC1):c.599dup (p.Pro201fs)

Gene: FOXC1 (forkhead box C1; plus strand). Cytogenetic location: 6p25.3.
Variant type: Duplication.
Coding change: c.599dup on transcript NM_001453.3 (MANE Select); coding-DNA position 599, one base duplicated (A; older notation c.599dupA).
Protein change: p.Pro201fs; shifts the reading frame from proline 201.
Molecular consequence: frameshift variant.
Genome position (GRCh38, 1-based): chr6:1,611,044, A duplicated. VCF-style (leftmost placement, unchanged base first): chr6-1611043-C-CA. GRCh37 (hg19) VCF-style: chr6-1611278-C-CA.
Other names: short protein forms P201fs.
Identifiers: ClinVar variation 3649411 (VCV003649411.2).
Genomic context (GRCh38, chr6:1,611,043, plus strand): 5'-GTGAAGGACAAGGAGGAGAAGGACAGGCTGCACCTCAAGGAGCCGCCCCCGCCCGGCCGC[C>CA]AGCCCCCGCCCGCGCCGCCGGAGCAGGCCGACGGCAACGCGCCCGGTCCGCAGCCGCCGC-3'